The following is an entry in ClinVar:

NM_001009944.3(PKD1):c.6994_7000del (p.Ala2332fs)

Gene: PKD1 (polycystin 1, transient receptor potential channel interacting; minus strand). Cytogenetic location: 16p13.3.
Variant type: Microsatellite.
Coding change: c.6994_7000del on transcript NM_001009944.3 (MANE Select); coding-DNA positions 6994 to 7000, 7 bases deleted (GCTGGCG; older notation c.6994_7000delGCTGGCG).
Protein change: p.Ala2332fs; shifts the reading frame from alanine 2332.
Molecular consequence: frameshift variant.
Genome position (GRCh38, 1-based): chr16:2,107,948-2,107,954, CGCCAGC deleted on the plus strand (GCTGGCG on the coding strand, the reverse complement: PKD1 is on the minus strand); deleting any 7 consecutive bases within chr16:2,107,948-2,107,964 gives the same sequence; the c. name uses the placement nearest the transcript's 3' end. VCF-style (leftmost placement, unchanged base first): chr16-2107947-ACGCCAGC-A. GRCh37 (hg19) VCF-style: chr16-2157948-ACGCCAGC-A.
Other names: c.6994_7000del (NM_001009944.2); c.6994_7000del, p.Ala2332fs (NM_000296.4); c.6994_7000del7 (NM_001009944.2); short protein forms A2332fs.
Identifiers: ClinVar variation 972870 (VCV000972870.15), dbSNP rs1555453872, ClinGen allele CA658683086.

ClinVar aggregate classification (germline): Pathogenic. Review status: criteria provided, multiple submitters, no conflicts (2 of 4 stars). 8 submissions from 8 submitters: Pathogenic (7). 1 of the submissions does not count toward it. Last evaluated 2025-12-11.

Conditions:
Polycystic kidney disease, adult type (PKD1). Also called: POLYCYSTIC KIDNEY DISEASE, ADULT, TYPE I; Polycystic Kidney, Autosomal Dominant; POLYCYSTIC KIDNEY DISEASE 1 WITH OR WITHOUT POLYCYSTIC LIVER DISEASE; Polycystic Kidney Disease 1, Autosomal Dominant; Polycystic kidney disease 1; Polycystic kidney disease 1, severe. Identifiers: MedGen C3149841, MONDO:0008263, OMIM 173900.
PKD1-related disorder. Also called: PKD1-related condition.

Submissions (8):

Medical and Scientific Branch, Hong Kong Genome Institute
Classification: Pathogenic for Polycystic kidney disease, adult type. Last evaluated: 2025-12-11. Review status: criteria provided, single submitter. Criteria: ACMG Guidelines, 2015. Collection method: clinical testing. Allele origin: germline. Affected: yes.

GeneDx
Classification: Pathogenic. Last evaluated: 2025-02-10. Review status: criteria provided, single submitter. Criteria: GeneDx Variant Classification Process June 2021. Collection method: clinical testing. Allele origin: germline. Affected: yes.
Comment: Frameshift variant predicted to result in protein truncation or nonsense mediated decay in a gene for which loss of function is a known mechanism of disease; Not observed at significant frequency in large population cohorts (gnomAD); This variant is associated with the following publications: (PMID: 32823016, 11012875, 31740684, 29633482, 22508176, 33437033, 11115377, 37509056, 36938073, 23300259, 35325889)

Fulgent Genetics
Classification: Pathogenic for Polycystic kidney disease, adult type. Last evaluated: 2024-05-13. Review status: criteria provided, single submitter. Criteria: ACMG Guidelines, 2015. Collection method: clinical testing. Allele origin: germline.

Blueprint Genetics
Classification: Pathogenic for PKD1-related disorders. Last evaluated: 2021-06-17. Review status: criteria provided, single submitter. Criteria: ACMG Guidelines, 2015. Collection method: clinical testing. Allele origin: germline. Affected: yes. Observed: 1 variant allele.

Athena Diagnostics
Classification: Pathogenic. Last evaluated: 2021-04-05. Review status: criteria provided, single submitter. Criteria: Athena Diagnostics criteria. Collection method: clinical testing. Allele origin: unknown.
Comment: This variant is expected to result in the loss of a functional protein. This variant has not been reported in large, multi-ethnic general populations. This variant has been identified in at least one individual with clinical features associated with this gene.

Molecular Genetics of Inherited Kidney Disorders Laboratory, Garvan Institute of Medical Research
Classification: Pathogenic. Last evaluated: 2019-01-01. Review status: criteria provided, single submitter. Criteria: ACMG Guidelines, 2015. Collection method: clinical testing. Allele origin: germline. Affected: yes.

Juno Genomics, Hangzhou Juno Genomics, Inc
Classification: Pathogenic for Polycystic kidney disease, adult type. Review status: criteria provided, single submitter. Criteria: ACMG Guidelines, 2015. Collection method: clinical testing. Allele origin: germline. Affected: yes.
Comment: Absent from controls (or at extremely low frequency if recessive) in Genome Aggregation Database, Exome Sequencing Project, 1000 Genomes Project, or Exome Aggregation Consortium.;Null variant in a gene where loss of function (LOF) is a known mechanism of disease.;The prevalence of the variant in affected individuals is significantly increased compared to the prevalence in controls.;Patient's phenotype or family history is highly specific for a disease with a single genetic etiology.

PreventionGenetics, part of Exact Sciences
Classification: Pathogenic for PKD1-related condition. Last evaluated: 2024-08-13. Review status: no assertion criteria provided. Collection method: clinical testing. Allele origin: germline. Not counted in ClinVar's aggregate classification.
Comment: The PKD1 c.6994_7000del7 variant is predicted to result in a frameshift and premature protein termination (p.Ala2332Trpfs*7). This variant has been reported to be pathogenic for autosomal dominant polycystic kidney disease (ADPKD) (see for example, Phakdeekitcharoen et al. 2000. PubMed ID: 11012875; Table S3 of Mallawaarachchi et al. 2021. PubMed ID: 33437033). This variant has not been reported in a large population database, indicating this variant is rare. Frameshift variants in PKD1 are expected to be pathogenic. This variant is interpreted as pathogenic.

Literature cited by the submitters: PubMed 31740684 (cited by Athena Diagnostics); PubMed 29633482 (cited by Athena Diagnostics); PubMed 11012875 (cited by Athena Diagnostics).